The following is an entry in ClinVar:

NM_001283009.2(RTEL1):c.1963dup (p.Arg655fs)

Genes: RTEL1 (regulator of telomere elongation helicase 1; plus strand), RTEL1-TNFRSF6B (RTEL1-TNFRSF6B readthrough (NMD candidate); plus strand). Cytogenetic location: 20q13.33.
Variant type: Duplication.
Coding change: c.1963dup on transcript NM_001283009.2 (MANE Select); coding-DNA position 1963, one base duplicated (C; older notation c.1963dupC).
Protein change: p.Arg655fs; shifts the reading frame from arginine 655.
Molecular consequence: frameshift variant. On other transcripts: non-coding transcript variant (1).
Genome position (GRCh38, 1-based): chr20:63,689,586, C duplicated; the last of 5 consecutive C bases (chr20:63,689,582-63,689,586); duplicating any one gives the same sequence. VCF-style (leftmost placement, unchanged base first): chr20-63689581-A-AC. GRCh37 (hg19) VCF-style: chr20-62320934-A-AC.
Other names: c.1294dup, p.Arg432fs (NM_001283010.1); c.1963dup, p.Arg655fs (NM_016434.4); c.2035dup, p.Arg679fs (NM_032957.5); c.2035dupC (NM_032957.4); short protein forms R432fs, R655fs, R679fs.
Identifiers: ClinVar variation 550933 (VCV000550933.9), dbSNP rs1555811742, ClinGen allele CA658824154.
Genomic context (GRCh38, chr20:63,689,581, plus strand): 5'-TCTCAGACACGAATGGCCGTGGTGTGATTGTCACGGGCCTCCCGTACCCCCCACGCATGG[A>AC]CCCCCGGGTTGTCCTCAAGATGCAGTTCCTGGATGAGATGAAGGGCCAGGGTGGGGCTGG-3'

ClinVar aggregate classification (germline): Pathogenic. Review status: criteria provided, multiple submitters, no conflicts (2 of 4 stars). 3 submissions from 3 submitters: Pathogenic (2). 1 of the submissions does not count toward it. Last evaluated 2026-08-21.

Conditions:
Dyskeratosis congenita, autosomal recessive 5 (DKCB5). Identifiers: MedGen C3554656, MONDO:0014076, OMIM 615190.
Pulmonary fibrosis and/or bone marrow failure, Telomere-related, 3. Also called: PULMONARY FIBROSIS AND/OR BONE MARROW FAILURE SYNDROME, TELOMERE-RELATED, 3. Identifiers: Orphanet 2032, MedGen C4225346, MONDO:0014613, OMIM 616373.

Submissions (3):

Myriad Genetics, Inc.
Classification: Pathogenic for Dyskeratosis congenita, autosomal recessive 5. Last evaluated: 2026-08-21. Review status: criteria provided, single submitter. Criteria: Myriad Autosomal Dominant, Autosomal Recessive and X-Linked Classification Criteria (2023). Collection method: clinical testing. Allele origin: unknown.
Comment: NM_001283009.1(RTEL1):c.1963dupC(R655Pfs*11) is a frameshift variant classified as pathogenic in the context of RTEL1-related disorders. R655Pfs*11 has not been observed in cases with relevant disease. Relevant functional assessments of this variant are not available in the literature. R655Pfs*11 has not been observed in referenced population frequency databases. In summary, NM_001283009.1(RTEL1):c.1963dupC(R655Pfs*11) is a frameshift variant in a gene where loss of function is a known mechanism of disease and is predicted to disrupt protein function. Please note: this variant was assessed in the context of healthy population screening.

Labcorp Genetics (formerly Invitae), Labcorp
Classification: Pathogenic for Dyskeratosis congenita, autosomal recessive 5; Pulmonary fibrosis and/or bone marrow failure, Telomere-related, 3. Last evaluated: 2022-05-27. Review status: criteria provided, single submitter. Criteria: Invitae Variant Classification Sherloc (09022015). Collection method: clinical testing. Allele origin: germline.
Comment: This sequence change creates a premature translational stop signal (p.Arg655Profs*11) in the RTEL1 gene. It is expected to result in an absent or disrupted protein product. Loss-of-function variants in RTEL1 are known to be pathogenic (PMID: 23453664, 23959892, 25607374). This variant is not present in population databases (gnomAD no frequency). This variant has not been reported in the literature in individuals affected with RTEL1-related conditions. ClinVar contains an entry for this variant (Variation ID: 550933). For these reasons, this variant has been classified as Pathogenic.

Counsyl
Classification: Likely pathogenic for Dyskeratosis congenita, autosomal recessive 5. Last evaluated: 2017-03-13. Review status: no assertion criteria provided. Collection method: clinical testing. Allele origin: unknown. Not counted in ClinVar's aggregate classification.

Literature cited by the submitters: PubMed 23453664 (cited by Labcorp Genetics (formerly Invitae), Labcorp); PubMed 23959892 (cited by Labcorp Genetics (formerly Invitae), Labcorp); PubMed 25607374 (cited by Labcorp Genetics (formerly Invitae), Labcorp).